The following is an entry in ClinVar:

NM_004655.4(AXIN2):c.386G>C (p.Arg129Pro)

Gene: AXIN2 (axin 2; minus strand). Cytogenetic location: 17q24.1.
Variant type: single nucleotide variant.
Coding change: c.386G>C on transcript NM_004655.4 (MANE Select); coding-DNA position 386, G replaced by C.
Protein change: p.Arg129Pro; replaces arginine 129 with proline.
Molecular consequence: missense variant.
Genome position (GRCh38, 1-based): chr17:65,558,235, C>G on the plus strand (G>C on the coding strand, the complement: AXIN2 is on the minus strand). VCF-style: chr17-65558235-C-G. GRCh37 (hg19) VCF-style: chr17-63554353-C-G.
Other names: c.386G>C, p.Arg129Pro (NM_001363813.1); short protein forms R129P.
Identifiers: ClinVar variation 3334841 (VCV003334841.3).

ClinVar aggregate classification (germline): Uncertain significance. Review status: criteria provided, multiple submitters, no conflicts (2 of 4 stars). 2 submissions from 2 submitters: Uncertain significance (2). Last evaluated 2025-12-10.

Conditions:
Oligodontia-cancer predisposition syndrome. Also called: TOOTH AGENESIS-COLORECTAL CANCER SYNDROME. Identifiers: Orphanet 300576, MedGen C1837750, MONDO:0012075, OMIM 608615. Disease mechanism: loss of function.
Hereditary cancer-predisposing syndrome. Also called: Neoplastic Syndromes, Hereditary; Tumor predisposition; Hereditary neoplastic syndrome; Hereditary Cancer Syndrome. Identifiers: Orphanet 140162, MedGen C0027672, MeSH D009386, MONDO:0015356.

Submissions (2):

Labcorp Genetics (formerly Invitae), Labcorp
Classification: Uncertain significance for Oligodontia-cancer predisposition syndrome. Last evaluated: 2025-12-10. Review status: criteria provided, single submitter. Criteria: Invitae Variant Classification Sherloc (09022015). Collection method: clinical testing. Allele origin: germline.
Comment: This sequence change replaces arginine, which is basic and polar, with proline, which is neutral and non-polar, at codon 129 of the AXIN2 protein (p.Arg129Pro). This variant is not present in population databases (gnomAD no frequency). This variant has not been reported in the literature in individuals affected with AXIN2-related conditions. ClinVar contains an entry for this variant (Variation ID: 3334841). Invitae Evidence Modeling of protein sequence and biophysical properties (such as structural, functional, and spatial information, amino acid conservation, physicochemical variation, residue mobility, and thermodynamic stability) indicates that this missense variant is expected to disrupt AXIN2 protein function with a positive predictive value of 80%. In summary, the available evidence is currently insufficient to determine the role of this variant in disease. Therefore, it has been classified as a Variant of Uncertain Significance.

Ambry Genetics
Classification: Uncertain significance for Hereditary cancer-predisposing syndrome. Last evaluated: 2024-04-07. Review status: criteria provided, single submitter. Criteria: Ambry Variant Classification Scheme 2023. Collection method: clinical testing. Allele origin: germline.
Comment: The p.R129P variant (also known as c.386G>C), located in coding exon 1 of the AXIN2 gene, results from a G to C substitution at nucleotide position 386. The arginine at codon 129 is replaced by proline, an amino acid with dissimilar properties. This amino acid position is conserved. In addition, the in silico prediction for this alteration is inconclusive. Based on the available evidence, the clinical significance of this variant remains unclear.